The following is an entry in ClinVar:

NM_000214.3(JAG1):c.1791C>T (p.Asn597=)

Gene: JAG1 (jagged canonical Notch ligand 1; minus strand). Cytogenetic location: 20p12.2.
Variant type: single nucleotide variant.
Coding change: c.1791C>T on transcript NM_000214.3 (MANE Select); coding-DNA position 1791, C replaced by T.
Protein change: p.Asn597=; no amino-acid change (asparagine 597 retained).
Molecular consequence: synonymous variant.
Genome position (GRCh38, 1-based): chr20:10,647,033, G>A on the plus strand (C>T on the coding strand, the complement: JAG1 is on the minus strand). VCF-style: chr20-10647033-G-A. GRCh37 (hg19) VCF-style: chr20-10627681-G-A.
Identifiers: ClinVar variation 895880 (VCV000895880.13), dbSNP rs145910804, ClinGen allele CA9764751.
Genomic context (GRCh38, chr20:10,647,033, plus strand): 5'-ACAGTCACAGGTGAATTTGCCTCCCGACTGACTCTTGCACTTCCCGTGAGGACCACAGAC[G>A]TTGGAGGAAATATACCGCACCCCTTCAGGTGTGTCGTTGGAAGCCATGGCCACTGTGCAG-3'
Protein context (NP_000205.1, residues 587-607): TPEGVRYISS[Asn597=]VCGPHGKCKS

ClinVar aggregate classification (germline): Likely benign. Review status: criteria provided, multiple submitters, no conflicts (2 of 4 stars). 4 submissions from 4 submitters: Likely benign (3). 1 of the submissions does not count toward it. Last evaluated 2024-04-08.

Conditions:
JAG1-related disorder. Also called: JAG1-related condition; JAG1-related disorders.
Alagille syndrome due to a JAG1 point mutation. Also called: Alagille Syndrome 1; HEPATIC DUCTULAR HYPOPLASIA, SYNDROMATIC; JAG1-Related Alagille Syndrome. Identifiers: Orphanet 261619, Orphanet 52, MedGen C1956125, MONDO:0016862, OMIM 118450.
Isolated Nonsyndromic Congenital Heart Disease.

Allele frequency attached by ClinVar (database versions not stated): gnomAD 0.00001; TOPMed 0.00001; ExAC 0.00002; gnomAD exomes 0.00002 and 0.00003; ESP Exome Variant Server 0.00008.
gnomAD v4.1: 36 of 1,614,066 alleles (0.0022%); highest among the groups gnomAD compares: Admixed American, 0.0067%; no homozygotes.

Submissions (4):

Blueprint Genetics
Classification: Likely benign. Last evaluated: 2024-04-08. Review status: criteria provided, single submitter. Criteria: ACMG Guidelines, 2015. Collection method: clinical testing. Allele origin: germline.

Labcorp Genetics (formerly Invitae), Labcorp
Classification: Likely benign for Alagille syndrome due to a JAG1 point mutation. Last evaluated: 2023-08-17. Review status: criteria provided, single submitter. Criteria: Invitae Variant Classification Sherloc (09022015). Collection method: clinical testing. Allele origin: germline.

Illumina Laboratory Services, Illumina
Classification: Likely benign for Isolated Nonsyndromic Congenital Heart Disease. Last evaluated: 2018-01-12. Review status: criteria provided, single submitter. Criteria: ICSL Variant Classification Criteria 13 December 2019. Collection method: clinical testing. Allele origin: germline.
Comment: This variant was observed in the ICSL laboratory as part of a predisposition screen in an ostensibly healthy population. It had not been previously curated by ICSL or reported in the Human Gene Mutation Database (HGMD: prior to June 1st, 2018), and was therefore a candidate for classification through an automated scoring system. Utilizing variant allele frequency, disease prevalence and penetrance estimates, and inheritance mode, an automated score was calculated to assess if this variant is too frequent to cause the disease. Based on the score and internal cut-off values, a variant classified as likely benign is not then subjected to further curation. The score for this variant resulted in a classification of likely benign for this disease.

PreventionGenetics, part of Exact Sciences
Classification: Likely benign for JAG1-related condition. Last evaluated: 2024-06-12. Review status: no assertion criteria provided. Collection method: clinical testing. Allele origin: germline. Not counted in ClinVar's aggregate classification.
Comment: This variant is classified as likely benign based on ACMG/AMP sequence variant interpretation guidelines (Richards et al. 2015 PMID: 25741868, with internal and published modifications).